The following is an entry in ClinVar:

NM_001267550.2(TTN):c.35875+8T>G

Gene: TTN (titin; minus strand). Cytogenetic location: 2q31.2.
Variant type: single nucleotide variant.
Coding change: c.35875+8T>G on transcript NM_001267550.2 (MANE Select); 8 bases into the intron after coding-DNA position 35875, T replaced by G.
Molecular consequence: intron variant.
Genome position (GRCh38, 1-based): chr2:178,666,816, A>C on the plus strand (T>G on the coding strand, the complement: TTN is on the minus strand). VCF-style: chr2-178666816-A-C. GRCh37 (hg19) VCF-style: chr2-179531543-A-C.
Other names: c.13283-24499T>G (NM_003319.4); c.13859-24499T>G (NM_133437.4); c.13658-24499T>G (NM_133432.3); c.31483+3402T>G (NM_133378.4); c.34264+3402T>G (NM_001256850.1).
Identifiers: ClinVar variation 413202 (VCV000413202.64), dbSNP rs192408585, ClinGen allele CA1997716.

ClinVar aggregate classification (germline): Benign/Likely benign. Review status: criteria provided, multiple submitters, no conflicts (2 of 4 stars). 12 submissions from 12 submitters: Benign (2); Likely benign (3). 7 of the submissions do not count toward it. Last evaluated 2026-08-01.

Conditions:
TTN-related disorder. Also called: TTN-related condition; TTN-related disease; TTN-related disorders.
Autosomal recessive limb-girdle muscular dystrophy type 2J (LGMDR10). Also called: Limb-girdle muscular dystrophy, type 2J; MUSCULAR DYSTROPHY, LIMB-GIRDLE, AUTOSOMAL RECESSIVE 10. Identifiers: Orphanet 140922, MedGen C1837342, MONDO:0012127, OMIM 608807.
Dilated cardiomyopathy 1G (CMD1G). Identifiers: Orphanet 154, MedGen C1858763, MONDO:0011400, OMIM 604145.

Allele frequency attached by ClinVar (database versions not stated): ESP Exome Variant Server 0.00018; gnomAD 0.00024 and 0.00027; TOPMed 0.00030; gnomAD exomes 0.00034; ExAC 0.00068.
gnomAD v4.1: 485 of 1,554,782 alleles (0.031%); highest among the groups gnomAD compares: Middle Eastern, 0.15%; 2 homozygotes.

Submissions (12):

CeGaT Center for Human Genetics Tuebingen
Classification: Likely benign. Last evaluated: 2026-08-01. Review status: criteria provided, single submitter. Criteria: CeGaT Center For Human Genetics Tuebingen Variant Classification Criteria Version 2. Collection method: clinical testing. Allele origin: germline. Affected: yes. Observed: 19 variant alleles.
Comment: TTN: BP4, BS2

Labcorp Genetics (formerly Invitae), Labcorp
Classification: Benign for Dilated cardiomyopathy 1G; Autosomal recessive limb-girdle muscular dystrophy type 2J. Last evaluated: 2026-01-27. Review status: criteria provided, single submitter. Criteria: Invitae Variant Classification Sherloc (09022015). Collection method: clinical testing. Allele origin: germline.

Molecular Diagnostic Laboratory for Inherited Cardiovascular Disease, Montreal Heart Institute
Classification: Likely benign. Last evaluated: 2025-04-09. Review status: criteria provided, single submitter. Criteria: ACMG Guidelines, 2015. Collection method: clinical testing. Allele origin: germline. Affected: no.

Women's Health and Genetics/Laboratory Corporation of America, LabCorp
Classification: Benign. Last evaluated: 2025-01-30. Review status: criteria provided, single submitter. Criteria: LabCorp Variant Classification Summary - May 2015. Collection method: clinical testing. Allele origin: germline.
Comment: Variant summary: TTN c.31483+3402T>G is located at a position not widely known to affect splicing. This variant corresponds to c.35875+8T>G in NM_001267550. Consensus agreement among computation tools predict no significant impact on normal splicing. However, these predictions have yet to be confirmed by functional studies. The variant allele was found at a frequency of 0.00034 in 163084 control chromosomes, predominantly at a frequency of 0.00066 within the Non-Finnish European subpopulation in the gnomAD database. The observed variant frequency within Non-Finnish European control individuals in the gnomAD database is approximately 1.69 fold of the estimated maximal expected allele frequency for a pathogenic variant in TTN causing Dilated Cardiomyopathy phenotype (0.00039). To our knowledge, no occurrence of c.31483+3402T>G in individuals affected with TTN-related conditions and no experimental evidence demonstrating its impact on protein function have been reported. ClinVar contains an entry for this variant (Variation ID: 413202). Based on the evidence outlined above, the variant was classified as benign.

Blueprint Genetics
Classification: Likely benign. Last evaluated: 2024-11-11. Review status: criteria provided, single submitter. Criteria: ACMG Guidelines, 2015. Collection method: clinical testing. Allele origin: germline.

PreventionGenetics, part of Exact Sciences
Classification: Likely benign for TTN-related condition. Last evaluated: 2019-09-09. Review status: no assertion criteria provided. Collection method: clinical testing. Allele origin: germline. Not counted in ClinVar's aggregate classification.
Comment: This variant is classified as likely benign based on ACMG/AMP sequence variant interpretation guidelines (Richards et al. 2015 PMID: 25741868, with internal and published modifications).

Clinical Genetics DNA and cytogenetics Diagnostics Lab, Erasmus MC, Erasmus Medical Center
Classification: Likely benign. Review status: no assertion criteria provided. Collection method: clinical testing. Allele origin: germline. Affected: yes. Study: VKGL Data-share Consensus. Not counted in ClinVar's aggregate classification.

Clinical Genetics, Academic Medical Center
Classification: Benign. Review status: no assertion criteria provided. Collection method: clinical testing. Allele origin: germline. Affected: yes. Study: VKGL Data-share Consensus. Not counted in ClinVar's aggregate classification.

Diagnostic Laboratory, Department of Genetics, University Medical Center Groningen
Classification: Likely benign. Review status: no assertion criteria provided. Collection method: clinical testing. Allele origin: germline. Affected: yes. Study: VKGL Data-share Consensus. Not counted in ClinVar's aggregate classification.

Genome Diagnostics Laboratory, University Medical Center Utrecht
Classification: Likely benign. Review status: no assertion criteria provided. Collection method: clinical testing. Allele origin: germline. Affected: yes. Study: VKGL Data-share Consensus. Not counted in ClinVar's aggregate classification.

Joint Genome Diagnostic Labs from Nijmegen and Maastricht, Radboudumc and MUMC+
Classification: Benign. Review status: no assertion criteria provided. Collection method: clinical testing. Allele origin: germline. Affected: yes. Study: VKGL Data-share Consensus. Not counted in ClinVar's aggregate classification.

Laboratory of Diagnostic Genome Analysis, Leiden University Medical Center (LUMC)
Classification: Likely benign. Review status: no assertion criteria provided. Collection method: clinical testing. Allele origin: germline. Affected: yes. Study: VKGL Data-share Consensus. Not counted in ClinVar's aggregate classification.